The following is an entry in ClinVar:

NM_014278.4(HSPA4L):c.1515C>T (p.Gly505=)

Gene: HSPA4L (heat shock protein family A (Hsp70) member 4 like; plus strand). Cytogenetic location: 4q28.1.
Variant type: single nucleotide variant.
Coding change: c.1515C>T on transcript NM_014278.4 (MANE Select); coding-DNA position 1515, C replaced by T.
Protein change: p.Gly505=; no amino-acid change (glycine 505 retained).
Molecular consequence: synonymous variant.
Genome position (GRCh38, 1-based): chr4:127,811,573, C>T. VCF-style: chr4-127811573-C-T. GRCh37 (hg19) VCF-style: chr4-128732728-C-T.
Other names: c.1608C>T, p.Gly536= (NM_001317381.2); c.1437C>T, p.Gly479= (NM_001317382.2); c.1392C>T, p.Gly464= (NM_001317383.2).
Identifiers: ClinVar variation 2655090 (VCV002655090.24), dbSNP rs367749617, ClinGen allele CA3076161.

ClinVar aggregate classification (germline): Likely benign (1 of 4 stars; one submission).

Allele frequency attached by ClinVar (database versions not stated): gnomAD exomes 0.00005; ExAC 0.00008; 1000 Genomes Project 30x 0.00016; 1000 Genomes Project 0.00020; ESP Exome Variant Server 0.00031; gnomAD 0.00035; TOPMed 0.00038.
gnomAD v4.1: 123 of 1,613,606 alleles (0.0076%); highest among the groups gnomAD compares: African/African-American, 0.06%; 1 homozygote.

Submission:

CeGaT Center for Human Genetics Tuebingen
Classification: Likely benign. Last evaluated: 2023-02-01. Review status: criteria provided, single submitter. Criteria: CeGaT Center For Human Genetics Tuebingen Variant Classification Criteria Version 2. Collection method: clinical testing. Allele origin: germline. Affected: yes. Observed: 1 variant allele.
Comment: HSPA4L: BP4, BP7